The following is an entry in ClinVar:

ClinVar aggregate classification (germline): Uncertain significance (1 of 4 stars; one submission).

Conditions:
KDM5C-related disorder. Also called: KDM5C-related condition.

gnomAD v4.1: 2 of 1,210,404 alleles (0.00017%); highest among the groups gnomAD compares: Admixed American, 0.0043%; no homozygotes.

Submission:

PreventionGenetics, part of Exact Sciences
Classification: Uncertain significance for KDM5C-related condition. Last evaluated: 2025-04-16. Review status: criteria provided, single submitter. Criteria: ACMG Guidelines, 2015. Collection method: clinical testing. Allele origin: germline.
Comment: The KDM5C c.409G>A variant is predicted to result in the amino acid substitution p.Val137Ile. To our knowledge, this variant has not been reported in the literature. This variant is reported in 0.0073% of alleles in individuals of Latino descent in gnomAD. At this time, the clinical significance of this variant is uncertain due to the absence of conclusive functional and genetic evidence.

NM_004187.5(KDM5C):c.409G>A (p.Val137Ile)

Gene: KDM5C (lysine demethylase 5C; minus strand). Cytogenetic location: Xp11.22.
Variant type: single nucleotide variant.
Coding change: c.409G>A on transcript NM_004187.5 (MANE Select); coding-DNA position 409, G replaced by A.
Protein change: p.Val137Ile; replaces valine 137 with isoleucine.
Molecular consequence: missense variant. On other transcripts: non-coding transcript variant (3).
Genome position (GRCh38, 1-based): chrX:53,217,909, C>T on the plus strand (G>A on the coding strand, the complement: KDM5C is on the minus strand). VCF-style: chrX-53217909-C-T. GRCh37 (hg19) VCF-style: chrX-53247091-C-T.
Other names: c.208G>A, p.Val70Ile (NM_001146702.2); c.409G>A, p.Val137Ile (NM_001282622.3, NM_001353978.3, NM_001353979.2 and 3 more transcripts); short protein forms V70I, V137I.
Identifiers: ClinVar variation 5000969 (VCV005000969.1).
Genomic context (GRCh38, chrX:53,217,909, plus strand): 5'-AGTGGGAGCGTAGCAAGGAGCCAATATTTTTGCCTGGTGGATAGTTGAGGCGCTGGGCTA[C>T]CCGAGCCCACCGACGGTCCTTGCAGATAGCTTCATAACCACCTTCCTCCACCACAATCTG-3'
Protein context (NP_004178.2, residues 127-147): AICKDRRWAR[Val137Ile]AQRLNYPPGK